The following is an entry in ClinVar:

ClinVar aggregate classification (germline): Uncertain significance (1 of 4 stars; one submission).

Allele frequency attached by ClinVar (database versions not stated): gnomAD exomes below 0.00001.
gnomAD v4.1: 2 of 1,613,830 alleles (0.00012%); highest among the groups gnomAD compares: East Asian, 0.0022%; no homozygotes.

Submission:

Labcorp Genetics (formerly Invitae), Labcorp
Classification: Uncertain significance. Last evaluated: 2026-01-12. Review status: criteria provided, single submitter. Criteria: Invitae Variant Classification Sherloc (09022015). Collection method: clinical testing. Allele origin: germline.
Comment: This sequence change replaces tyrosine, which is neutral and polar, with cysteine, which is neutral and slightly polar, at codon 938 of the EMC1 protein (p.Tyr938Cys). This variant is not present in population databases (gnomAD no frequency). This variant has not been reported in the literature in individuals affected with EMC1-related conditions. ClinVar contains an entry for this variant (Variation ID: 1384862). Invitae Evidence Modeling of protein sequence and biophysical properties (such as structural, functional, and spatial information, amino acid conservation, physicochemical variation, residue mobility, and thermodynamic stability) indicates that this missense variant is expected to disrupt EMC1 protein function with a positive predictive value of 80%. In summary, the available evidence is currently insufficient to determine the role of this variant in disease. Therefore, it has been classified as a Variant of Uncertain Significance.

NM_015047.3(EMC1):c.2813A>G (p.Tyr938Cys)

Genes: EMC1 (ER membrane protein complex subunit 1; minus strand), EMC1-AS1 (EMC1 antisense RNA 1; plus strand). Cytogenetic location: 1p36.13.
Variant type: single nucleotide variant.
Coding change: c.2813A>G on transcript NM_015047.3 (MANE Select); coding-DNA position 2813, A replaced by G.
Protein change: p.Tyr938Cys; replaces tyrosine 938 with cysteine.
Molecular consequence: missense variant.
Genome position (GRCh38, 1-based): chr1:19,219,472, T>C on the plus strand (A>G on the coding strand, the complement: EMC1 is on the minus strand). VCF-style: chr1-19219472-T-C. GRCh37 (hg19) VCF-style: chr1-19545966-T-C.
Other names: c.2810A>G, p.Tyr937Cys (NM_001271427.2, NM_001271428.2); c.2747A>G, p.Tyr916Cys (NM_001271429.2); c.2822A>G, p.Tyr941Cys (NM_001375820.1); c.2819A>G, p.Tyr940Cys (NM_001375821.1); short protein forms Y916C, Y941C, Y937C, Y938C, Y940C.
Identifiers: ClinVar variation 1384862 (VCV001384862.6), dbSNP rs2093414395, ClinGen allele CA338749402.